The following is an entry in ClinVar:

NM_006267.5(RANBP2):c.5489A>G (p.His1830Arg)

Gene: RANBP2 (RAN binding protein 2; plus strand). Cytogenetic location: 2q13.
Variant type: single nucleotide variant.
Coding change: c.5489A>G on transcript NM_006267.5 (MANE Select); coding-DNA position 5489, A replaced by G.
Protein change: p.His1830Arg; replaces histidine 1830 with arginine.
Molecular consequence: missense variant.
Genome position (GRCh38, 1-based): chr2:108,766,028, A>G. VCF-style: chr2-108766028-A-G. GRCh37 (hg19) VCF-style: chr2-109382484-A-G.
Other names: short protein forms H1830R.
Identifiers: ClinVar variation 382059 (VCV000382059.1), dbSNP rs760578682, ClinGen allele CA1823284.

ClinVar aggregate classification (germline): Likely benign (1 of 4 stars; one submission).

Allele frequency attached by ClinVar (database versions not stated): gnomAD exomes below 0.00001 and 0.00002; ExAC 0.00001.
gnomAD v4.1: 3 of 1,614,186 alleles (0.00019%); highest among the groups gnomAD compares: Admixed American, 0.0017%; no homozygotes.

Submission:

GeneDx
Classification: Likely benign. Last evaluated: 2016-02-05. Review status: criteria provided, single submitter. Criteria: GeneDx Variant Classification (06012015). Collection method: clinical testing. Allele origin: germline. Affected: yes.
Comment: This variant is considered likely benign or benign based on one or more of the following criteria: it is a conservative change, it occurs at a poorly conserved position in the protein, it is predicted to be benign by multiple in silico algorithms, and/or has population frequency not consistent with disease.